The following is an entry in ClinVar:

NM_152564.5(VPS13B):c.4526T>C (p.Met1509Thr)

Gene: VPS13B (vacuolar protein sorting 13 homolog B; plus strand). Cytogenetic location: 8q22.2.
Variant type: single nucleotide variant.
Coding change: c.4526T>C on transcript NM_152564.5 (MANE Select); coding-DNA position 4526, T replaced by C.
Protein change: p.Met1509Thr; replaces methionine 1509 with threonine.
Molecular consequence: missense variant.
Genome position (GRCh38, 1-based): chr8:99,511,405, T>C. VCF-style: chr8-99511405-T-C. GRCh37 (hg19) VCF-style: chr8-100523633-T-C.
Other names: c.4601T>C, p.Met1534Thr (NM_017890.5); short protein forms M1509T, M1534T.
Identifiers: ClinVar variation 1957005 (VCV001957005.5), dbSNP rs2490522591, ClinGen allele CA371871825.

ClinVar aggregate classification (germline): Uncertain significance (1 of 4 stars; one submission).

Conditions:
Cohen syndrome (COH1). Also called: Cutis verticis gyrata, retinitis pigmentosa, and sensorineural deafness; PEPPER SYNDROME. Identifiers: Orphanet 193, MedGen C0265223, MONDO:0008999, OMIM 216550.

Submission:

Labcorp Genetics (formerly Invitae), Labcorp
Classification: Uncertain significance for Cohen syndrome. Last evaluated: 2022-11-25. Review status: criteria provided, single submitter. Criteria: Invitae Variant Classification Sherloc (09022015). Collection method: clinical testing. Allele origin: germline.
Comment: This sequence change replaces methionine, which is neutral and non-polar, with threonine, which is neutral and polar, at codon 1534 of the VPS13B protein (p.Met1534Thr). This variant is not present in population databases (gnomAD no frequency). In summary, the available evidence is currently insufficient to determine the role of this variant in disease. Therefore, it has been classified as a Variant of Uncertain Significance. Advanced modeling of protein sequence and biophysical properties (such as structural, functional, and spatial information, amino acid conservation, physicochemical variation, residue mobility, and thermodynamic stability) performed at Invitae indicates that this missense variant is expected to disrupt VPS13B protein function. This variant has not been reported in the literature in individuals affected with VPS13B-related conditions.